The following is an entry in ClinVar:

NM_001365951.3(KIF1B):c.4298_4299delinsGG (p.Pro1433Arg)

Gene: KIF1B (kinesin family member 1B; plus strand). Cytogenetic location: 1p36.22.
Variant type: Indel.
Coding change: c.4298_4299delinsGG on transcript NM_001365951.3 (MANE Select); coding-DNA positions 4298 to 4299, CA replaced by GG.
Protein change: p.Pro1433Arg; replaces proline 1433 with arginine.
Molecular consequence: missense variant.
Genome position (GRCh38, 1-based): chr1:10,361,819-10,361,820, CA replaced by GG. VCF-style: chr1-10361819-CA-GG. GRCh37 (hg19) VCF-style: chr1-10421877-CA-GG.
Other names: c.4298_4299delinsGG, p.Pro1433Arg (NM_001365952.1); c.4160_4161delinsGG, p.Pro1387Arg (NM_015074.3); short protein forms P1387R, P1433R.
Identifiers: ClinVar variation 2815637 (VCV002815637.3), dbSNP rs2521886901, ClinGen allele CA2739272244.

ClinVar aggregate classification (germline): Uncertain significance (1 of 4 stars; one submission).

Conditions:
Charcot-Marie-Tooth disease type 2. Also called: Charcot-Marie-Tooth type 2. Identifiers: Orphanet 64746, MedGen C0270914, MONDO:0018993.

Submission:

Labcorp Genetics (formerly Invitae), Labcorp
Classification: Uncertain significance for Charcot-Marie-Tooth disease type 2. Last evaluated: 2022-11-23. Review status: criteria provided, single submitter. Criteria: Invitae Variant Classification Sherloc (09022015). Collection method: clinical testing. Allele origin: germline.
Comment: This sequence change replaces proline, which is neutral and non-polar, with arginine, which is basic and polar, at codon 1387 of the KIF1B protein (p.Pro1387Arg). Information on the frequency of this variant in the gnomAD database is not available, as this variant may be reported differently in the database. This variant has not been reported in the literature in individuals affected with KIF1B-related conditions. Algorithms developed to predict the effect of missense changes on protein structure and function are either unavailable or do not agree on the potential impact of this missense change (SIFT: "Not Available"; PolyPhen-2: "Possibly Damaging"; Align-GVGD: "Not Available"). In summary, the available evidence is currently insufficient to determine the role of this variant in disease. Therefore, it has been classified as a Variant of Uncertain Significance.